The following is an entry in ClinVar:

ClinVar aggregate classification (germline): Uncertain significance (1 of 4 stars; one submission).

Submission:

ISCA site 4
Classification: Uncertain significance. Last evaluated: 2011-08-12. Review status: criteria provided, single submitter. Criteria: Kaminsky et al. (Genet Med. 2011). Collection method: clinical testing. Allele origin: de novo. Affected: yes. Observed: 1 variant allele.
Comment: Copy number variation identified through the course of routine clinical cytogenomic testing in postnatal populations. Clinical assertions have been curated as described in Kaminsky et al. 2011.

GRCh38/hg38 7q11.22(chr7:72139800-72505698)x1

Genes: CALN1 (calneuron 1; minus strand), LOC126860070 (MED14-independent group 3 enhancer GRCh37_chr7:71870231-71871430; plus strand), LOC129389812 (MPRA-validated peak6577 silencer; plus strand), LOC129998579 (ATAC-STARR-seq lymphoblastoid active region 26117; plus strand). Cytogenetic location: 7q11.22.
Variant type: copy number loss.
Change: copy number 1 (one copy instead of two) of chr7:72,139,800-72,505,698 (365.9 kb, GRCh38 coordinates, 1-based), cytogenetic band 7q11.22.
Identifiers: ClinVar variation 57372 (VCV000057372.1).